The following is an entry in ClinVar:

ClinVar aggregate classification (germline): Likely benign (0 of 4 stars; one submission).

Conditions:
PLXNA3-related disorder. Also called: PLXNA3-related condition.

Allele frequency attached by ClinVar (database versions not stated): ExAC 0.00028; gnomAD 0.00005; TOPMed 0.00005; ESP Exome Variant Server 0.00009; 1000 Genomes Project 30x 0.00021; 1000 Genomes Project 0.00026.
gnomAD v4.1: 75 of 1,189,550 alleles (0.0063%); highest among the groups gnomAD compares: South Asian, 0.056%; 1 homozygote.

Submission:

PreventionGenetics, part of Exact Sciences
Classification: Likely benign for PLXNA3-related condition. Last evaluated: 2022-04-06. Review status: no assertion criteria provided. Collection method: clinical testing. Allele origin: germline.
Comment: This variant is classified as likely benign based on ACMG/AMP sequence variant interpretation guidelines (Richards et al. 2015 PMID: 25741868, with internal and published modifications).

NM_017514.5(PLXNA3):c.3072C>T (p.Thr1024=)

Gene: PLXNA3 (plexin A3; plus strand). Cytogenetic location: Xq28.
Variant type: single nucleotide variant.
Coding change: c.3072C>T on transcript NM_017514.5 (MANE Select); coding-DNA position 3072, C replaced by T.
Protein change: p.Thr1024=; no amino-acid change (threonine 1024 retained).
Molecular consequence: synonymous variant.
Genome position (GRCh38, 1-based): chrX:154,466,758, C>T. VCF-style: chrX-154466758-C-T. GRCh37 (hg19) VCF-style: chrX-153695101-C-T.
Identifiers: ClinVar variation 3047609 (VCV003047609.2), dbSNP rs201749397, ClinGen allele CA10564547.